The following is an entry in ClinVar:

ClinVar aggregate classification (germline): Uncertain significance (1 of 4 stars; one submission).

Conditions:
Inborn genetic diseases. Identifiers: MedGen C0950123, MeSH D030342.

Submission:

Ambry Genetics
Classification: Uncertain significance for Inborn genetic diseases. Last evaluated: 2025-02-17. Review status: criteria provided, single submitter. Criteria: Ambry Variant Classification Scheme 2023. Collection method: clinical testing. Allele origin: germline.
Comment: The p.Q7K variant (also known as c.19C>A), located in coding exon 1 of the SH2B3 gene, results from a C to A substitution at nucleotide position 19. The glutamine at codon 7 is replaced by lysine, an amino acid with similar properties. This amino acid position is conserved. In addition, this alteration is predicted to be tolerated by in silico analysis. Based on the available evidence, the clinical significance of this variant remains unclear.

NM_005475.3(SH2B3):c.19C>A (p.Gln7Lys)

Gene: SH2B3 (SH2B adaptor protein 3; plus strand). Cytogenetic location: 12q24.12.
Variant type: single nucleotide variant.
Coding change: c.19C>A on transcript NM_005475.3 (MANE Select); coding-DNA position 19, C replaced by A.
Protein change: p.Gln7Lys; replaces glutamine 7 with lysine.
Molecular consequence: missense variant.
Genome position (GRCh38, 1-based): chr12:111,418,164, C>A. VCF-style: chr12-111418164-C-A. GRCh37 (hg19) VCF-style: chr12-111855968-C-A.
Other names: short protein forms Q7K.
Identifiers: ClinVar variation 3795203 (VCV003795203.1).